The following is an entry in ClinVar:

NC_000005.10:g.(?_112837547)_(112844132_?)del

Gene: APC (APC regulator of Wnt signaling pathway; plus strand). Cytogenetic location: 5q22.2.
Variant type: Deletion.
Identifiers: ClinVar variation 469694 (VCV000469694.1).

ClinVar aggregate classification (germline): Pathogenic (1 of 4 stars; one submission).

Conditions:
Familial adenomatous polyposis 1 (FAP1). Also called: POLYPOSIS, ADENOMATOUS INTESTINAL; FAMILIAL ADENOMATOUS POLYPOSIS 1, ATTENUATED. Identifiers: MedGen C2713442, MONDO:0021056, OMIM 175100. Disease mechanism: loss of function.

Submission:

Labcorp Genetics (formerly Invitae), Labcorp
Classification: Pathogenic for Familial adenomatous polyposis 1. Last evaluated: 2017-12-01. Review status: criteria provided, single submitter. Criteria: Invitae Variant Classification Sherloc (09022015). Collection method: clinical testing. Allele origin: germline.
Comment: This variant is a gross deletion of the genomic region encompassing exon 16 of the APC gene. The 5' boundary is likely confined to intron 15. The 3' end of this event is unknown as it extends through the termination codon beyond the assayed region for this gene and may encompass additional genes. While this deletion is not anticipated to result in nonsense mediated decay, it is expected to create a truncated APC protein by eliminating 1,911 amino acids (~65%) from the protein. Loss-of-function variants in APC are known to be pathogenic. Similar deletions of exon 16 have been reported in the literature in individuals affected with adenomatous polyposis (PMID: 17568392). In addition, multiple truncations (PMID: 1338764, 20685668, 10083733, 1316610, Invitae database) within this exon have been reported to be pathogenic. For these reasons, this variant has been classified as Pathogenic.

Literature cited by the submitters: PubMed 10083733; PubMed 20685668; PubMed 17568392; PubMed 1338764; PubMed 1316610.